The following is an entry in ClinVar:

NM_000246.4(CIITA):c.2357A>G (p.Gln786Arg)

Gene: CIITA (class II major histocompatibility complex transactivator; plus strand). Cytogenetic location: 16p13.13.
Variant type: single nucleotide variant.
Coding change: c.2357A>G on transcript NM_000246.4 (MANE Select); coding-DNA position 2357, A replaced by G.
Protein change: p.Gln786Arg; replaces glutamine 786 with arginine.
Molecular consequence: missense variant. On other transcripts: intron variant (1).
Genome position (GRCh38, 1-based): chr16:10,907,849, A>G. VCF-style: chr16-10907849-A-G. GRCh37 (hg19) VCF-style: chr16-11001706-A-G.
Other names: c.2360A>G, p.Gln787Arg (NM_001286402.1, NM_001379332.1); c.2213A>G, p.Gln738Arg (NM_001379330.1); c.2210A>G, p.Gln737Arg (NM_001379331.1); c.2357A>G, p.Gln786Arg (NM_001379333.1); c.2288A>G, p.Gln763Arg (NM_001379334.1); c.860-1134A>G (NM_001286403.2); short protein forms Q737R, Q738R, Q763R, Q786R, Q787R.
Identifiers: ClinVar variation 1061826 (VCV001061826.6), dbSNP rs2144739658, ClinGen allele CA394733097.

ClinVar aggregate classification (germline): Uncertain significance (1 of 4 stars; one submission).

Conditions:
MHC class II deficiency. Also called: BLS, TYPE II; Bare lymphocyte syndrome 2. Identifiers: Orphanet 572, MedGen C5447452, MONDO:0008855.

Submission:

Labcorp Genetics (formerly Invitae), Labcorp
Classification: Uncertain significance for MHC class II deficiency. Last evaluated: 2021-09-01. Review status: criteria provided, single submitter. Criteria: Invitae Variant Classification Sherloc (09022015). Collection method: clinical testing. Allele origin: germline.
Comment: This sequence change replaces glutamine with arginine at codon 786 of the CIITA protein (p.Gln786Arg). The glutamine residue is moderately conserved and there is a small physicochemical difference between glutamine and arginine. This variant is not present in population databases (ExAC no frequency). This variant has not been reported in the literature in individuals affected with CIITA-related conditions. Algorithms developed to predict the effect of missense changes on protein structure and function output the following: SIFT: "Tolerated"; PolyPhen-2: "Benign"; Align-GVGD: "Class C0". The arginine amino acid residue is found in multiple mammalian species, which suggests that this missense change does not adversely affect protein function. In summary, the available evidence is currently insufficient to determine the role of this variant in disease. Therefore, it has been classified as a Variant of Uncertain Significance.